The following is an entry in ClinVar:

ClinVar aggregate classification (germline): Benign. Review status: reviewed by expert panel (3 of 4 stars). 31 submissions from 29 submitters: Benign (1). 30 of the submissions do not count toward it. Last evaluated 2015-01-12.

Conditions:
Breast-ovarian cancer, familial, susceptibility to, 2 (BROVCA2). Also called: BRCA2 Hereditary Breast and Ovarian Cancer. Identifiers: Orphanet 145, MedGen C2675520, MONDO:0012933, OMIM 612555. Disease mechanism: loss of function.
Fanconi anemia complementation group D1. Also called: BRCA2-Related Fanconi Anemia. Identifiers: Orphanet 319462, MedGen C1838457, MONDO:0011584, OMIM 605724.
Medulloblastoma (MDB). Also called: MEDULLOBLASTOMA PREDISPOSITION SYNDROME; Medulloblastoma, somatic. Identifiers: Orphanet 616, MedGen C0025149, MeSH D008527, MONDO:0007959, OMIM 155255, HP:0002885.
Pancreatic cancer, susceptibility to, 2. Identifiers: Orphanet 1333, MedGen C3150546, MONDO:0013235, OMIM 613347.
Glioma susceptibility 3 (GLM3). Also called: Glioblastoma 3. Identifiers: Orphanet 182067, Orphanet 360, MedGen C2751641, MONDO:0013093, OMIM 613029.
Wilms tumor 1 (WT1). Also called: Wilms tumor, somatic. Identifiers: Orphanet 654, MedGen CN033288, MONDO:0008679, OMIM 194070.
Familial cancer of breast. Also called: hereditary breast carcinoma; BREAST CANCER, FAMILIAL; Hereditary breast cancer. Identifiers: Orphanet 227535, MedGen C0346153, MONDO:0016419, OMIM 114480. Disease mechanism: loss of function.
Prostate cancer. Also called: Malignant tumor of prostate. Identifiers: Orphanet 1331, MedGen C0376358, MONDO:0008315, HP:0012125.
Hereditary cancer-predisposing syndrome. Also called: Hereditary Cancer Syndrome; Neoplastic Syndromes, Hereditary; Hereditary neoplastic syndrome; Tumor predisposition. Identifiers: Orphanet 140162, MedGen C0027672, MeSH D009386, MONDO:0015356.
Hereditary breast ovarian cancer syndrome. Also called: Hereditary breast and ovarian cancer syndrome; Breast and ovarian cancer; Hereditary breast and ovarian cancer syndrome (HBOC); BRCA1- and BRCA2-Associated Hereditary Breast and Ovarian Cancer; Hereditary breast and/or ovarian cancer syndrome; Hereditary breast and ovarian cancer. Identifiers: Orphanet 145, MedGen C0677776, MeSH D061325, MONDO:0003582. Disease mechanism: loss of function.

Allele frequency attached by ClinVar (database versions not stated): gnomAD 0.01220 and 0.01126; ESP Exome Variant Server 0.01299; gnomAD exomes 0.00115 and 0.00311; ExAC 0.00368; TOPMed 0.01314; 1000 Genomes Project 0.01438; 1000 Genomes Project 30x 0.01452.
gnomAD v4.1: 3,465 of 1,613,722 alleles (0.21%); highest among the groups gnomAD compares: African/African-American, 4.2%; 65 homozygotes.

Submissions 1 to 21 of 31:

Evidence-based Network for the Interpretation of Germline Mutant Alleles (ENIGMA)
Classification: Benign for Breast-ovarian cancer, familial 2. Last evaluated: 2015-01-12. Review status: reviewed by expert panel. Criteria: ENIGMA BRCA1/2 Classification Criteria (2015). Collection method: curation. Allele origin: germline.
Comment: Class 1 not pathogenic based on frequency >1% in an outbred sampleset. Frequency 0.04675 (African), derived from 1000 genomes (2012-04-30).

Labcorp Genetics (formerly Invitae), Labcorp
Classification: Benign for Hereditary breast ovarian cancer syndrome. Last evaluated: 2026-02-04. Review status: criteria provided, single submitter. Criteria: Invitae Variant Classification Sherloc (09022015). Collection method: clinical testing. Allele origin: germline. Not counted in ClinVar's aggregate classification.

ARUP Laboratories, Molecular Genetics and Genomics, ARUP Laboratories
Classification: Benign. Last evaluated: 2025-05-23. Review status: criteria provided, single submitter. Criteria: ARUP Molecular Germline Variant Investigation Process 2024. Collection method: clinical testing. Allele origin: germline. Not counted in ClinVar's aggregate classification.

Center for Genomic Medicine, Rigshospitalet, Copenhagen University Hospital
Classification: Benign. Last evaluated: 2025-03-04. Review status: criteria provided, single submitter. Criteria: ACMG Guidelines, 2015. Collection method: clinical testing. Allele origin: germline. Not counted in ClinVar's aggregate classification.

KCCC/NGS Laboratory, Kuwait Cancer Control Center
Classification: Benign for Familial cancer of breast. Last evaluated: 2025-02-01. Review status: criteria provided, single submitter. Criteria: ACMG Guidelines, 2015. Collection method: clinical testing. Allele origin: germline. Affected: no. Not counted in ClinVar's aggregate classification.

Blueprint Genetics
Classification: Likely benign. Last evaluated: 2024-11-26. Review status: criteria provided, single submitter. Criteria: ACMG Guidelines, 2015. Collection method: clinical testing. Allele origin: germline. Not counted in ClinVar's aggregate classification.

KCCC/NGS Laboratory, Kuwait Cancer Control Center
Classification: Benign for Breast-ovarian cancer, familial, susceptibility to, 2. Last evaluated: 2023-07-07. Review status: criteria provided, single submitter. Criteria: ACMG Guidelines, 2015. Collection method: clinical testing. Allele origin: germline. Affected: yes. Not counted in ClinVar's aggregate classification.

Mayo Clinic Laboratories, Mayo Clinic
Classification: Benign. Last evaluated: 2023-06-20. Review status: criteria provided, single submitter. Criteria: ACMG Guidelines, 2015. Collection method: clinical testing. Allele origin: germline. Observed: 21 variant alleles. Not counted in ClinVar's aggregate classification.
Comment: BS1, BS2, BP4, BP6, BP7

National Health Laboratory Service, Universitas Academic Hospital and University of the Free State
Classification: Benign for Hereditary breast ovarian cancer syndrome. Last evaluated: 2022-04-19. Review status: criteria provided, single submitter. Criteria: ACMG Guidelines, 2015. Collection method: clinical testing. Allele origin: germline. Affected: yes. Observed: 12 variant alleles. Not counted in ClinVar's aggregate classification.

Fulgent Genetics
Classification: Benign for Familial cancer of breast; Medulloblastoma; Familial prostate cancer; Wilms tumor 1; Fanconi anemia complementation group D1; Breast-ovarian cancer, familial, susceptibility to, 2; Glioma susceptibility 3; Pancreatic cancer, susceptibility to, 2. Last evaluated: 2021-12-22. Review status: criteria provided, single submitter. Criteria: ACMG Guidelines, 2015. Collection method: clinical testing. Allele origin: unknown. Not counted in ClinVar's aggregate classification.

Genetics Program, Instituto Nacional de Cancer
Classification: Benign for Hereditary breast ovarian cancer syndrome. Last evaluated: 2021-11-01. Review status: criteria provided, single submitter. Criteria: ACMG Guidelines, 2015. Collection method: research. Allele origin: germline. Affected: yes. Not counted in ClinVar's aggregate classification.

Quest Diagnostics Nichols Institute San Juan Capistrano
Classification: Benign. Last evaluated: 2020-06-16. Review status: criteria provided, single submitter. Criteria: Quest Diagnostics criteria. Collection method: clinical testing. Allele origin: unknown. Not counted in ClinVar's aggregate classification.

Illumina Laboratory Services, Illumina
Classification: Benign for Fanconi anemia complementation group D1. Last evaluated: 2018-01-13. Review status: criteria provided, single submitter. Criteria: ICSL Variant Classification Criteria 13 December 2019. Collection method: clinical testing. Allele origin: germline. Not counted in ClinVar's aggregate classification.
Comment: This variant was observed in the ICSL laboratory as part of a predisposition screen in an ostensibly healthy population. It had not been previously curated by ICSL or reported in the Human Gene Mutation Database (HGMD: prior to June 1st, 2018), and was therefore a candidate for classification through an automated scoring system. Utilizing variant allele frequency, disease prevalence and penetrance estimates, and inheritance mode, an automated score was calculated to assess if this variant is too frequent to cause the disease. Based on the score and internal cut-off values, a variant classified as benign is not then subjected to further curation. The score for this variant resulted in a classification of benign for this disease.

Illumina Laboratory Services, Illumina
Classification: Benign for Breast-ovarian cancer, familial, susceptibility to, 2. Last evaluated: 2018-01-13. Review status: criteria provided, single submitter. Criteria: ICSL Variant Classification Criteria 13 December 2019. Collection method: clinical testing. Allele origin: germline. Not counted in ClinVar's aggregate classification.
Comment: the same text as in the submission from Illumina Laboratory Services, Illumina above.

Baylor Genetics
Classification: Benign for Familial cancer of breast. Last evaluated: 2017-02-23. Review status: criteria provided, single submitter. Criteria: ACMG Guidelines, 2015. Collection method: clinical testing. Allele origin: germline. Inheritance: Autosomal dominant inheritance. Affected: no. Not counted in ClinVar's aggregate classification.

PreventionGenetics, part of Exact Sciences
Classification: Benign. Last evaluated: 2016-11-03. Review status: criteria provided, single submitter. Criteria: ACMG Guidelines, 2015. Collection method: clinical testing. Allele origin: germline. Not counted in ClinVar's aggregate classification.

Color Diagnostics, LLC DBA Color Health
Classification: Benign for Hereditary cancer-predisposing syndrome. Last evaluated: 2015-04-13. Review status: criteria provided, single submitter. Criteria: ACMG Guidelines, 2015. Collection method: clinical testing. Allele origin: germline. Not counted in ClinVar's aggregate classification.

GeneDx
Classification: Benign. Last evaluated: 2015-03-03. Review status: criteria provided, single submitter. Criteria: GeneDx Variant Classification Process June 2021. Collection method: clinical testing. Allele origin: germline. Affected: yes. Not counted in ClinVar's aggregate classification.

Eurofins Ntd Llc (ga)
Classification: Benign. Last evaluated: 2015-02-09. Review status: criteria provided, single submitter. Criteria: EGL Classification Definitions 2015. Collection method: clinical testing. Allele origin: germline. Observed: 3 variant alleles, 3 heterozygotes. Not counted in ClinVar's aggregate classification.

Ambry Genetics
Classification: Benign for Hereditary cancer-predisposing syndrome. Last evaluated: 2014-11-19. Review status: criteria provided, single submitter. Criteria: Ambry Variant Classification Scheme 2023. Collection method: clinical testing. Allele origin: germline. Not counted in ClinVar's aggregate classification.

Molecular Genetics Laboratory, University of Michigan
Classification: Benign for Breast-ovarian cancer, familial, susceptibility to, 2. Last evaluated: 2014-11-03. Review status: criteria provided, single submitter. Criteria: ACMG Guidelines, 2015. Collection method: clinical testing. Allele origin: germline. Affected: yes. Not counted in ClinVar's aggregate classification.

NM_000059.4(BRCA2):c.8460A>C (p.Val2820=)

Gene: BRCA2 (BRCA2 DNA repair associated; plus strand). Cytogenetic location: 13q13.1.
Variant type: single nucleotide variant.
Coding change: c.8460A>C on transcript NM_000059.4 (MANE Select); coding-DNA position 8460, A replaced by C.
Protein change: p.Val2820=; no amino-acid change (valine 2820 retained).
Molecular consequence: synonymous variant.
Genome position (GRCh38, 1-based): chr13:32,370,530, A>C. VCF-style: chr13-32370530-A-C. GRCh37 (hg19) VCF-style: chr13-32944667-A-C.
Other names: V2820V; 8688 A>C; NP_000050.3:p.Val2820=; p.Val2820=.
Identifiers: ClinVar variation 52594 (VCV000052594.95), dbSNP rs9590940, ClinGen allele CA025653.